The following is an entry in ClinVar:

NM_152564.5(VPS13B):c.8995G>T (p.Glu2999Ter)

Gene: VPS13B (vacuolar protein sorting 13 homolog B; plus strand). Cytogenetic location: 8q22.2.
Variant type: single nucleotide variant.
Coding change: c.8995G>T on transcript NM_152564.5 (MANE Select); coding-DNA position 8995, G replaced by T.
Protein change: p.Glu2999Ter; replaces glutamic acid 2999 with a stop codon.
Molecular consequence: nonsense.
Genome position (GRCh38, 1-based): chr8:99,821,294, G>T. VCF-style: chr8-99821294-G-T. GRCh37 (hg19) VCF-style: chr8-100833522-G-T.
Other names: c.9070G>T, p.Glu3024Ter (NM_017890.5); short protein forms E2999*, E3024*.
Identifiers: ClinVar variation 4724555 (VCV004724555.1).

ClinVar aggregate classification (germline): Pathogenic (1 of 4 stars; one submission).

Conditions:
Cohen syndrome (COH1). Also called: Cutis verticis gyrata, retinitis pigmentosa, and sensorineural deafness; PEPPER SYNDROME. Identifiers: Orphanet 193, MedGen C0265223, MONDO:0008999, OMIM 216550.

Submission:

Labcorp Genetics (formerly Invitae), Labcorp
Classification: Pathogenic for Cohen syndrome. Last evaluated: 2025-07-31. Review status: criteria provided, single submitter. Criteria: Invitae Variant Classification Sherloc (09022015). Collection method: clinical testing. Allele origin: germline.
Comment: This sequence change creates a premature translational stop signal (p.Glu3024*) in the VPS13B gene. It is expected to result in an absent or disrupted protein product. Loss-of-function variants in VPS13B are known to be pathogenic (PMID: 15141358, 16648375, 20461111). This variant is not present in population databases (gnomAD no frequency). This variant has not been reported in the literature in individuals affected with VPS13B-related conditions. Algorithms developed to predict the effect of sequence changes on RNA splicing suggest that this variant may disrupt the consensus splice site. For these reasons, this variant has been classified as Pathogenic.

Literature cited by the submitters: PubMed 15141358; PubMed 16648375; PubMed 20461111.